The following is an entry in ClinVar:

ClinVar aggregate classification (germline): Pathogenic. Review status: criteria provided, multiple submitters, no conflicts (2 of 4 stars). 2 submissions from 2 submitters: Pathogenic (2). Last evaluated 2025-02-21.

Conditions:
Cardiovascular phenotype. Identifiers: MedGen CN230736.

Submissions (2):

Ambry Genetics
Classification: Pathogenic for Cardiovascular phenotype. Last evaluated: 2025-02-21. Review status: criteria provided, single submitter. Criteria: Ambry Variant Classification Scheme 2023. Collection method: clinical testing. Allele origin: germline.
Comment: The c.1524_1534dup11 pathogenic mutation, located in coding exon 9 of the LMNA gene, results from a duplication of CCCTACCGACC at nucleotide position 1524, causing a translational frameshift with a predicted alternate stop codon (p.L512Pfs*40). This variant is considered to be rare based on population cohorts in the Genome Aggregation Database (gnomAD). This alteration is expected to result in loss of function by premature protein truncation or nonsense-mediated mRNA decay. As such, this alteration is interpreted as a disease-causing mutation.

GeneDx
Classification: Pathogenic. Last evaluated: 2018-02-28. Review status: criteria provided, single submitter. Criteria: GeneDx Variant Classification (06012015). Collection method: clinical testing. Allele origin: germline. Affected: yes.
Comment: Although the c.1524_1534dup11 pathogenic variant in the LMNA gene has not been reported to our knowledge, this variant causes a shift in reading frame starting at codon leucine 512, changing it to a proline, and creating a premature stop codon at position 40 of the new reading frame, denoted p.Leu512ProfsX40. This pathogenic variant is expected to result in either an abnormal, truncated protein product or loss of protein from this allele through nonsense-mediated mRNA decay. Other downstream frameshift variants in the LMNA gene have been reported in Human Gene Mutation Database in association with LMNA-related disorders (Stenson et al., 2014), indicating that loss of function is a mechanism of disease for this gene. Furthermore, the c.1524_1534dup11 variant is not observed in large population cohorts (Lek et al., 2016).

NM_170707.4(LMNA):c.1524_1534dup (p.Leu512fs)

Gene: LMNA (lamin A/C; plus strand). Cytogenetic location: 1q22.
Variant type: Duplication.
Coding change: c.1524_1534dup on transcript NM_170707.4 (MANE Select); coding-DNA positions 1524 to 1534, 11 bases duplicated (CCCTACCGACC).
Protein change: p.Leu512fs; shifts the reading frame from leucine 512.
Molecular consequence: frameshift variant.
Genome position (GRCh38, 1-based): chr1:156,137,148-156,137,158, CCCTACCGACC duplicated; duplicating any 11 consecutive bases within chr1:156,137,146-156,137,158 gives the same sequence; the c. name uses the placement nearest the transcript's 3' end. VCF-style (leftmost placement, unchanged base first): chr1-156137145-C-CCCCCCTACCGA. GRCh37 (hg19) VCF-style: chr1-156106936-C-CCCCCCTACCGA.
Other names: c.1188_1198dup, p.Leu400fs (NM_001257374.3); c.1281_1291dup, p.Leu431fs (NM_001282624.2); c.1524_1534dup, p.Leu512fs (NM_001282625.2, NM_001282626.2, NM_005572.4 and 1 more transcripts); c.1524_1534dupCCCTACCGACC (NM_170707.2); short protein forms L512fs, L400fs, L431fs.
Identifiers: ClinVar variation 504373 (VCV000504373.3), dbSNP rs1553266098, ClinGen allele CA658795538.
Genomic context (GRCh38, chr1:156,137,145, plus strand): 5'-GGGGTAAGTGTCCTTTTCTCCTCTCCAGATCTGGGCTGCAGGAGCTGGGGCCACCCACAG[C>CCCCCCTACCGA]CCCCCTACCGACCTGGTGTGGAAGGCACAGAACACCTGGGGCTGCGGGAACAGCCTGCGT-3'